The following is an entry in ClinVar:

NM_201384.3(PLEC):c.4671G>A (p.Val1557=)

Gene: PLEC (plectin; minus strand). Cytogenetic location: 8q24.3.
Variant type: single nucleotide variant.
Coding change: c.4671G>A on transcript NM_201384.3 (MANE Select); coding-DNA position 4671, G replaced by A.
Protein change: p.Val1557=; no amino-acid change (valine 1557 retained).
Molecular consequence: synonymous variant. On other transcripts: intron variant (1).
Genome position (GRCh38, 1-based): chr8:143,925,258, C>T on the plus strand (G>A on the coding strand, the complement: PLEC is on the minus strand). VCF-style: chr8-143925258-C-T. GRCh37 (hg19) VCF-style: chr8-144999426-C-T.
Other names: c.4752G>A, p.Val1584= (NM_000445.5); c.4629G>A, p.Val1543= (NM_201378.4); c.4605G>A, p.Val1535= (NM_201379.3); c.5082G>A, p.Val1694= (NM_201380.4); c.4575G>A, p.Val1525= (NM_201381.3); c.4671G>A, p.Val1557= (NM_201382.4); c.4683G>A, p.Val1561= (NM_201383.3); c.4125+1526G>A (NM_001410941.1); and 1 more.
Identifiers: ClinVar variation 2923416 (VCV002923416.4), dbSNP rs782398331, ClinGen allele CA4926581.
Genomic context (GRCh38, chr8:143,925,258, plus strand): 5'-CTCCGCCTCTGCACTGCGCTGCGCCGTCTCCAGGGCCACCTGTACCTGCCGCGCTCGCTC[C>T]ACCTCGGCCTGCCGCAGGCGCCGCTCCGCCTCCTCCGCCTGCAGCCGCAGCTCCTCCAGG-3'
Protein context (NP_958786.1, residues 1547-1567): EAERRLRQAE[Val1557=]ERARQVQVAL

ClinVar aggregate classification (germline): Likely benign. Review status: criteria provided, multiple submitters, no conflicts (2 of 4 stars). 2 submissions from 2 submitters: Likely benign (2). Last evaluated 2026-07-27.

Conditions:
PLEC-related disorder. Also called: PLEC-related condition; PLEC-related disorders.
Epidermolysis bullosa simplex, Ogna type (EBS5A). Also called: Pidermolysis bullosa simplex 5A, Ogna type; EPIDERMOLYSIS BULLOSA SIMPLEX 5A, OGNA TYPE. Identifiers: Orphanet 79401, MedGen C0432317, MONDO:0007555, OMIM 131950.
Autosomal recessive limb-girdle muscular dystrophy type 2Q (LGMDR17). Also called: MUSCULAR DYSTROPHY, LIMB-GIRDLE, AUTOSOMAL RECESSIVE 17. Identifiers: Orphanet 254361, MedGen C3150989, MONDO:0013390, OMIM 613723.
Epidermolysis bullosa simplex with nail dystrophy (EBS5D). Identifiers: MedGen C4225309, MONDO:0014661, OMIM 616487.
Epidermolysis bullosa simplex 5C, with pyloric atresia (EBS5C). Also called: PLEC-Related Epidermolysis Bullosa with Pyloric Atresia; Epidermolysis bullosa simplex with pyloric atresia; PLEC1-Related Epidermolysis Bullosa with Pyloric Atresia. Identifiers: Orphanet 158684, MedGen C2677349, MONDO:0012807, OMIM 612138.
Epidermolysis bullosa simplex 5B, with muscular dystrophy (EBS5B). Also called: Epidermolysis bullosa simplex with muscular dystrophy; EPIDERMOLYSIS BULLOSA SIMPLEX AND LIMB-GIRDLE MUSCULAR DYSTROPHY. Identifiers: Orphanet 257, MedGen C2931072, MONDO:0009181, OMIM 226670.

Allele frequency attached by ClinVar (database versions not stated): gnomAD exomes 0.00001; gnomAD 0.00002; ExAC 0.00004.
gnomAD v4.1: 13 of 1,583,980 alleles (0.00082%); highest among the groups gnomAD compares: African/African-American, 0.0027%; no homozygotes.

Submissions (2):

PreventionGenetics, part of Exact Sciences
Classification: Likely benign for PLEC-related condition. Last evaluated: 2026-07-27. Review status: criteria provided, single submitter. Criteria: ACMG Guidelines, 2015. Collection method: clinical testing. Allele origin: germline.
Comment: This variant is classified as likely benign based on ACMG/AMP sequence variant interpretation guidelines (Richards et al. 2015 PMID: 25741868, with internal and published modifications).

Labcorp Genetics (formerly Invitae), Labcorp
Classification: Likely benign for Autosomal recessive limb-girdle muscular dystrophy type 2Q; Epidermolysis bullosa simplex, Ogna type; Epidermolysis bullosa simplex with nail dystrophy; Epidermolysis bullosa simplex 5C, with pyloric atresia; Epidermolysis bullosa simplex 5B, with muscular dystrophy. Last evaluated: 2025-06-17. Review status: criteria provided, single submitter. Criteria: Invitae Variant Classification Sherloc (09022015). Collection method: clinical testing. Allele origin: germline.